The following is an entry in ClinVar:

NM_001330078.2(NRXN1):c.797C>T (p.Ala266Val)

Gene: NRXN1 (neurexin 1; minus strand). Cytogenetic location: 2p16.3.
Variant type: single nucleotide variant.
Coding change: c.797C>T on transcript NM_001330078.2 (MANE Select); coding-DNA position 797, C replaced by T.
Protein change: p.Ala266Val; replaces alanine 266 with valine.
Molecular consequence: missense variant. On other transcripts: intron variant (4).
Genome position (GRCh38, 1-based): chr2:50,922,681, G>A on the plus strand (C>T on the coding strand, the complement: NRXN1 is on the minus strand). VCF-style: chr2-50922681-G-A. GRCh37 (hg19) VCF-style: chr2-51149819-G-A.
Other names: c.896C>T, p.Ala299Val (NM_001135659.3); c.797C>T, p.Ala266Val (NM_001330077.2, NM_001330081.2, NM_001330082.2 and 6 more transcripts); c.794C>T, p.Ala265Val (NM_001330079.2, NM_001330093.2); c.779C>T, p.Ala260Val (NM_001330088.2, NM_001330089.2); c.772+104821C>T (NM_001330096.2, NM_001330087.2, NM_001330083.2 and 1 more transcripts); short protein forms A266V, A299V, A260V, A265V.
Identifiers: ClinVar variation 1977758 (VCV001977758.5), dbSNP rs1686227242, ClinGen allele CA346822867.
Genomic context (GRCh38, chr2:50,922,681, plus strand): 5'-CACTGAAAGCAGAGTGGAAAAGGAACAGAGCCCATACCTTGGTCGCCCATCATCAGGTGC[G>A]CCAGACCTTGAAGGGAAACAAGAGCACAGTCAGCAATAAACAAGGGAGCATGGGAAGGCA-3'
Protein context (NP_001317007.1, residues 256-276): SQEDNNVEGL[Ala266Val]HLMMGDQGKS

ClinVar aggregate classification (germline): Uncertain significance (1 of 4 stars; one submission).

Conditions:
Pitt-Hopkins-like syndrome 2 (PTHSL2). Identifiers: Orphanet 221150, Orphanet 600663, MedGen C3280479, MONDO:0013690, OMIM 614325.

Allele frequency attached by ClinVar (database versions not stated): gnomAD 0.00001; gnomAD exomes 0.00001.
gnomAD v4.1: 8 of 1,610,100 alleles (0.0005%); highest among the groups gnomAD compares: South Asian, 0.0022%; no homozygotes.

Submission:

Labcorp Genetics (formerly Invitae), Labcorp
Classification: Uncertain significance for Pitt-Hopkins-like syndrome 2. Last evaluated: 2022-10-23. Review status: criteria provided, single submitter. Criteria: Invitae Variant Classification Sherloc (09022015). Collection method: clinical testing. Allele origin: germline.
Comment: This variant is not present in population databases (gnomAD no frequency). In summary, the available evidence is currently insufficient to determine the role of this variant in disease. Therefore, it has been classified as a Variant of Uncertain Significance. Algorithms developed to predict the effect of missense changes on protein structure and function are either unavailable or do not agree on the potential impact of this missense change (SIFT: "Deleterious"; PolyPhen-2: "Benign"; Align-GVGD: "Class C0"). This variant has not been reported in the literature in individuals affected with NRXN1-related conditions. This sequence change replaces alanine, which is neutral and non-polar, with valine, which is neutral and non-polar, at codon 299 of the NRXN1 protein (p.Ala299Val).